The following is an entry in ClinVar:

ClinVar aggregate classification (germline): Uncertain significance (1 of 4 stars; one submission).

Allele frequency attached by ClinVar (database versions not stated): gnomAD exomes below 0.00001.
gnomAD v4.1: 3 of 1,613,782 alleles (0.00019%); highest among the groups gnomAD compares: Non-Finnish European, 0.00025%; no homozygotes.

Submission:

Labcorp Genetics (formerly Invitae), Labcorp
Classification: Uncertain significance. Last evaluated: 2024-05-13. Review status: criteria provided, single submitter. Criteria: Invitae Variant Classification Sherloc (09022015). Collection method: clinical testing. Allele origin: germline.
Comment: This sequence change replaces tyrosine, which is neutral and polar, with cysteine, which is neutral and slightly polar, at codon 2887 of the USH2A protein (p.Tyr2887Cys). This variant is not present in population databases (gnomAD no frequency). This variant has not been reported in the literature in individuals affected with USH2A-related conditions. ClinVar contains an entry for this variant (Variation ID: 1364996). Advanced modeling of protein sequence and biophysical properties (such as structural, functional, and spatial information, amino acid conservation, physicochemical variation, residue mobility, and thermodynamic stability) has been performed at Invitae for this missense variant, however the output from this modeling did not meet the statistical confidence thresholds required to predict the impact of this variant on USH2A protein function. In summary, the available evidence is currently insufficient to determine the role of this variant in disease. Therefore, it has been classified as a Variant of Uncertain Significance.

NM_206933.4(USH2A):c.8660A>G (p.Tyr2887Cys)

Gene: USH2A (usherin; minus strand). Cytogenetic location: 1q41.
Variant type: single nucleotide variant.
Coding change: c.8660A>G on transcript NM_206933.4 (MANE Select); coding-DNA position 8660, A replaced by G.
Protein change: p.Tyr2887Cys; replaces tyrosine 2887 with cysteine.
Molecular consequence: missense variant.
Genome position (GRCh38, 1-based): chr1:215,877,779, T>C on the plus strand (A>G on the coding strand, the complement: USH2A is on the minus strand). VCF-style: chr1-215877779-T-C. GRCh37 (hg19) VCF-style: chr1-216051121-T-C.
Other names: short protein forms Y2887C.
Identifiers: ClinVar variation 1364996 (VCV001364996.7), dbSNP rs2102450682, ClinGen allele CA344828987.